The following is an entry in ClinVar:

ClinVar aggregate classification (germline): Pathogenic/Likely pathogenic. Review status: criteria provided, multiple submitters, no conflicts (2 of 4 stars). 5 submissions from 5 submitters: Pathogenic (1); Likely pathogenic (2). 2 of the submissions do not count toward it. Last evaluated 2024-04-26.

Conditions:
Hearing loss, autosomal recessive. Also called: Deafness, autosomal recessive; Autosomal recessive nonsyndromic deafness; Rare autosomal recessive non-syndromic sensorineural deafness type DFNB; Nonsyndromic Hearing Loss, Recessive. Identifiers: Orphanet 90635, Orphanet 90636, MedGen C1846647, MONDO:0019588, OMIM 607197.
Autosomal recessive nonsyndromic hearing loss 12. Also called: DEAFNESS, AUTOSOMAL RECESSIVE 12. Identifiers: Orphanet 90636, MedGen C1832394, MONDO:0011067, OMIM 601386.
Pituitary adenoma 5, multiple types. Identifiers: MedGen C4539685, MONDO:0054601, OMIM 617540.
Usher syndrome type 1D (USH1D). Also called: USHER SYNDROME, TYPE ID. Identifiers: Orphanet 231169, Orphanet 886, MedGen C1832845, MONDO:0010984, OMIM 601067.
Usher syndrome type 1 (USH1). Also called: RETINITIS PIGMENTOSA AND CONGENITAL DEAFNESS. Identifiers: Orphanet 231169, Orphanet 886, MedGen C1568247, MONDO:0010168, OMIM 276900.

Submissions (5):

Fulgent Genetics
Classification: Likely pathogenic for Usher syndrome type 1D; Autosomal recessive nonsyndromic hearing loss 12; Pituitary adenoma 5, multiple types. Last evaluated: 2024-04-26. Review status: criteria provided, single submitter. Criteria: ACMG Guidelines, 2015. Collection method: clinical testing. Allele origin: germline.

Baylor Genetics
Classification: Likely pathogenic for Pituitary adenoma 5, multiple types. Last evaluated: 2024-03-18. Review status: criteria provided, single submitter. Criteria: ACMG Guidelines, 2015. Collection method: clinical testing. Allele origin: unknown.

Labcorp Genetics (formerly Invitae), Labcorp
Classification: Pathogenic. Last evaluated: 2023-12-19. Review status: criteria provided, single submitter. Criteria: Invitae Variant Classification Sherloc (09022015). Collection method: clinical testing. Allele origin: germline.
Comment: This variant, c.7990_7992del, results in the deletion of 1 amino acid(s) of the CDH23 protein (p.Phe2664del), but otherwise preserves the integrity of the reading frame. This variant is present in population databases (rs774559018, gnomAD 0.003%). This variant has been observed in individual(s) with nonsyndromic deafness (PMID: 21940737). It has also been observed to segregate with disease in related individuals. ClinVar contains an entry for this variant (Variation ID: 996634). Experimental studies and prediction algorithms are not available or were not evaluated, and the functional significance of this variant is currently unknown. For these reasons, this variant has been classified as Pathogenic.

Natera, Inc.
Classification: Likely pathogenic for Usher syndrome type 1. Last evaluated: 2020-03-24. Review status: no assertion criteria provided. Collection method: clinical testing. Allele origin: germline. Not counted in ClinVar's aggregate classification.

University of Washington Center for Mendelian Genomics, University of Washington
Classification: Likely pathogenic for non-syndromic autosomal recessive hearing loss. Review status: no assertion criteria provided. Collection method: research. Allele origin: inherited. Affected: yes. Not counted in ClinVar's aggregate classification.

Literature cited by the submitters: PubMed 21940737 (cited by Labcorp Genetics (formerly Invitae), Labcorp); PubMed 30303587 (cited by University of Washington Center for Mendelian Genomics, University of Washington).

NM_022124.6(CDH23):c.7987TTC[1] (p.Phe2664del)

Genes: CDH23 (cadherin related 23; plus strand), LOC111982869 (Sharpr-MPRA regulatory region 2121; plus strand). Cytogenetic location: 10q22.1.
Variant type: Microsatellite.
Coding change: c.7987TTC[1] on transcript NM_022124.6 (MANE Select); one copy of the 3-base unit TTC starting at c.7987; the reference has two copies in a row; one copy, 3 bases deleted; also written c.7990_7992del.
Protein change: p.Phe2664del; deletes phenylalanine 2664.
Molecular consequence: inframe deletion.
Genome position (GRCh38, 1-based): chr10:71,805,923-71,805,925, TTC deleted; deleting any 3 consecutive bases within chr10:71,805,920-71,805,925 gives the same sequence; the position shown is the placement nearest the transcript's 3' end. VCF-style (leftmost placement, unchanged base first): chr10-71805919-GTTC-G. GRCh37 (hg19) VCF-style: chr10-73565676-GTTC-G.
Other names: c.7990_7992del (NM_022124.6); c.1267TTC[1], p.Phe424del (NM_001171933.1, NM_001171934.1); short protein forms F2664del, F424del.
Identifiers: ClinVar variation 996634 (VCV000996634.13), dbSNP rs774559018, ClinGen allele CA5546499.